The following is an entry in ClinVar:

NM_000548.5(TSC2):c.2306T>C (p.Val769Ala)

Gene: TSC2 (TSC complex subunit 2; plus strand). Cytogenetic location: 16p13.3.
Variant type: single nucleotide variant.
Coding change: c.2306T>C on transcript NM_000548.5 (MANE Select); coding-DNA position 2306, T replaced by C.
Protein change: p.Val769Ala; replaces valine 769 with alanine.
Molecular consequence: missense variant. On other transcripts: non-coding transcript variant (5).
Genome position (GRCh38, 1-based): chr16:2,072,934, T>C. VCF-style: chr16-2072934-T-C. GRCh37 (hg19) VCF-style: chr16-2122935-T-C.
Other names: c.2306T>C, p.Val769Ala (NM_001077183.3, NM_001114382.3, NM_001363528.2 and 6 more transcripts); c.2195T>C, p.Val732Ala (NM_001318827.2, NM_001406670.1, NM_001406678.1); c.2159T>C, p.Val720Ala (NM_001318829.2, NM_001406675.1, NM_001406676.1 and 1 more transcripts); c.1706T>C, p.Val569Ala (NM_001318831.2, NM_001406680.1, NM_001406682.1 and 6 more transcripts); c.2339T>C, p.Val780Ala (NM_001318832.2); c.2396T>C, p.Val799Ala (NM_001406667.1, NM_001406668.1); c.2294T>C, p.Val765Ala (NM_001406671.1, NM_001406673.1); c.2249T>C, p.Val750Ala (NM_001406677.1); and 3 more; short protein forms V235A, V321A, V569A, V615A, V720A, V732A, V750A, V765A.
Identifiers: ClinVar variation 4866119 (VCV004866119.1).
Genomic context (GRCh38, chr16:2,072,934, plus strand): 5'-GGCTCCGAGGCGCCCCAGAAGGCTTCTCCAGAACTGACTTGCACCTGGCCGTGGTTCCAG[T>C]GCTGACAGCATTAATCTCTTACCATAACTACCTGGACAAAACCAAACAGGTAGGAGGTCA-3'
Protein context (NP_000539.2, residues 759-779): RTDLHLAVVP[Val769Ala]LTALISYHNY

ClinVar aggregate classification (germline): Uncertain significance (1 of 4 stars; one submission).

Conditions:
Hereditary cancer-predisposing syndrome. Also called: Neoplastic Syndromes, Hereditary; Tumor predisposition; Hereditary Cancer Syndrome; Hereditary neoplastic syndrome. Identifiers: Orphanet 140162, MedGen C0027672, MeSH D009386, MONDO:0015356.

Submission:

Ambry Genetics
Classification: Uncertain significance for Hereditary cancer-predisposing syndrome. Last evaluated: 2026-05-16. Review status: criteria provided, single submitter. Criteria: Ambry Variant Classification Scheme 2023. Collection method: clinical testing. Allele origin: germline.
Comment: The p.V769A variant (also known as c.2306T>C), located in coding exon 20 of the TSC2 gene, results from a T to C substitution at nucleotide position 2306. The valine at codon 769 is replaced by alanine, an amino acid with similar properties. This amino acid position is conserved. In addition, this alteration is predicted to be deleterious by in silico analysis. Based on the available evidence, the clinical significance of this variant remains unclear.